The following is an entry in ClinVar:

NM_020247.5(COQ8A):c.1823C>T (p.Ser608Phe)

Gene: COQ8A (coenzyme Q8A; plus strand). Cytogenetic location: 1q42.13.
Variant type: single nucleotide variant.
Coding change: c.1823C>T on transcript NM_020247.5 (MANE Select); coding-DNA position 1823, C replaced by T.
Protein change: p.Ser608Phe; replaces serine 608 with phenylalanine.
Molecular consequence: missense variant.
Genome position (GRCh38, 1-based): chr1:226,986,616, C>T. VCF-style: chr1-226986616-C-T. GRCh37 (hg19) VCF-style: chr1-227174317-C-T.
Other names: short protein forms S608F.
Identifiers: ClinVar variation 4849443 (VCV004849443.1).
Genomic context (GRCh38, chr1:226,986,616, plus strand): 5'-ACAACCTGATTCCCGTCATGCTGAGGCACCGTCTCGTCCCCCCACCCGAGGAAACCTACT[C>T]CCTGCACAGGAAGATGGGGGGCTCCTTCCTCATCTGCTCCAAGCTGAAGGCCCGCTTCCC-3'
Protein context (NP_064632.2, residues 598-618): RLVPPPEETY[Ser608Phe]LHRKMGGSFL

ClinVar aggregate classification (germline): Likely pathogenic (1 of 4 stars; one submission).

Conditions:
Autosomal recessive ataxia due to ubiquinone deficiency. Also called: SPINOCEREBELLAR ATAXIA, AUTOSOMAL RECESSIVE 9; Coenzyme Q10 deficiency, primary, 4. Identifiers: Orphanet 139485, MedGen C2677589, MONDO:0012784, OMIM 612016.

Submission:

First Genomix Gene Laboratory, Genetic Diagnostics Department
Classification: Likely pathogenic for Autosomal recessive ataxia due to ubiquinone deficiency. Last evaluated: 2025-05-23. Review status: criteria provided, single submitter. Criteria: ACMG Guidelines, 2015. Collection method: clinical testing. Allele origin: germline. Inheritance: Autosomal recessive inheritance. Affected: no. Observed: 1 variant allele.